The following is an entry in ClinVar:

ClinVar aggregate classification (germline): Uncertain significance (1 of 4 stars; one submission).

Conditions:
Inborn genetic diseases. Identifiers: MedGen C0950123, MeSH D030342.

gnomAD v4.1: 6 of 1,613,864 alleles (0.00037%); highest among the groups gnomAD compares: East Asian, 0.0022%; no homozygotes.

Submission:

Ambry Genetics
Classification: Uncertain significance for Inborn genetic diseases. Last evaluated: 2024-06-08. Review status: criteria provided, single submitter. Criteria: Ambry Variant Classification Scheme 2023. Collection method: clinical testing. Allele origin: germline.
Comment: The p.P1991S variant (also known as c.5971C>T), located in coding exon 35 of the ATR gene, results from a C to T substitution at nucleotide position 5971. The proline at codon 1991 is replaced by serine, an amino acid with similar properties. This amino acid position is conserved. In addition, this alteration is predicted to be tolerated by in silico analysis. Based on the available evidence, the clinical significance of this variant remains unclear.

NM_001184.4(ATR):c.5971C>T (p.Pro1991Ser)

Gene: ATR (ATR serine/threonine kinase; minus strand). Cytogenetic location: 3q23.
Variant type: single nucleotide variant.
Coding change: c.5971C>T on transcript NM_001184.4 (MANE Select); coding-DNA position 5971, C replaced by T.
Protein change: p.Pro1991Ser; replaces proline 1991 with serine.
Molecular consequence: missense variant.
Genome position (GRCh38, 1-based): chr3:142,493,239, G>A on the plus strand (C>T on the coding strand, the complement: ATR is on the minus strand). VCF-style: chr3-142493239-G-A. GRCh37 (hg19) VCF-style: chr3-142212081-G-A.
Other names: c.5779C>T, p.Pro1927Ser (NM_001354579.2); short protein forms P1927S, P1991S.
Identifiers: ClinVar variation 3332127 (VCV003332127.1).